The following is an entry in ClinVar:

NM_001130987.2(DYSF):c.5210C>G (p.Pro1737Arg)

Gene: DYSF (dysferlin; plus strand). Cytogenetic location: 2p13.2.
Variant type: single nucleotide variant.
Coding change: c.5210C>G on transcript NM_001130987.2 (MANE Select); coding-DNA position 5210, C replaced by G.
Protein change: p.Pro1737Arg; replaces proline 1737 with arginine.
Molecular consequence: missense variant.
Genome position (GRCh38, 1-based): chr2:71,665,197, C>G. VCF-style: chr2-71665197-C-G. GRCh37 (hg19) VCF-style: chr2-71892327-C-G.
Other names: NM_001130987.2(DYSF):c.5210C>G; p.Pro1737Arg; c.5096C>G, p.Pro1699Arg (NM_001130455.2); c.5051C>G, p.Pro1684Arg (NM_001130976.2); c.5114C>G, p.Pro1705Arg (NM_001130977.2); c.5156C>G, p.Pro1719Arg (NM_001130978.2); c.5186C>G, p.Pro1729Arg (NM_001130979.2); c.5144C>G, p.Pro1715Arg (NM_001130980.2); and 7 more; short protein forms P1698R, P1737R, P1684R, P1719R, P1685R, P1705R, P1706R, P1715R.
Identifiers: ClinVar variation 567124 (VCV000567124.14), dbSNP rs776452710, ClinGen allele CA1707292.

ClinVar aggregate classification (germline): Likely pathogenic. Review status: reviewed by expert panel (3 of 4 stars). 3 submissions from 3 submitters: Likely pathogenic (1). 2 of the submissions do not count toward it. Last evaluated 2026-01-23.

Conditions:
Autosomal recessive limb-girdle muscular dystrophy. Identifiers: Orphanet 102015, MedGen C2931907, MONDO:0015152.
Neuromuscular disease caused by qualitative or quantitative defects of dysferlin. Also called: Dysferlinopathy; Qualitative or quantitative defects of dysferlin. Identifiers: Orphanet 207073, MedGen C2931687, MONDO:0016145.

Allele frequency attached by ClinVar (database versions not stated): gnomAD exomes below 0.00001; ExAC 0.00001.
gnomAD v4.1: 1 of 1,613,988 alleles (0.000062%); highest among the groups gnomAD compares: South Asian, 0.0011%; no homozygotes.

Submissions (3):

ClinGen Limb Girdle Muscular Dystrophy Variant Curation Expert Panel, ClinGen
Classification: Likely pathogenic for Autosomal recessive limb-girdle muscular dystrophy. Last evaluated: 2026-01-23. Review status: reviewed by expert panel. Criteria: ClinGen LGMD VCEP ACMG Specifications DYSF V2.0.0. Collection method: curation. Allele origin: germline. Inheritance: Autosomal recessive inheritance.
Comment: The NM_003494.4: c.5093C>G variant in DYSF, which is also known as NM_001130987.2: c.5210C>G p.(Pro1737Arg), is a missense variant predicted to cause substitution of proline to arginine at amino acid 1698, p.(Pro1698Arg). This variant has been observed in three individuals with LGMD, including two siblings in a homozygous state with reported consanguinity (0.25 pts, ClinVar SCV000814671.7 internal data communication; PP1) and one with a pathogenic variant in unknown phase (NM_003494.4: c.265C>T p.(Arg89Ter), 0.5 pts, PMID: 38582400) (PM3_Supporting; PP4). The highest allele frequency for this variant in gnomAD v4.1.0 is 0.00001098 (1/91080 South Asian chromosomes), which is less than the ClinGen LGMD VCEP threshold (<0.0001) (PM2_Supporting). The computational predictor REVEL gives a score of 0.91, which is above the LGMD VCEP threshold of ≥0.70 (PP3). In addition, another missense variant at the same codon, NM_003494.4: c.5093C>T p.(Pro1698Leu), has been classified as likely pathogenic by the ClinGen LGMD VCEP (PM5_Supporting). In summary, this variant is classified as Likely Pathogenic for autosomal recessive limb girdle muscular dystrophy based on the ACMG/AMP criteria applied, as specified by the ClinGen LGMD VCEP (specifications v2.0.0; 01/23/2026): PM3_Supporting, PP4, PP3, PM2_Supporting, PM5_Supporting, PP1.

Labcorp Genetics (formerly Invitae), Labcorp
Classification: Pathogenic for Neuromuscular disease caused by qualitative or quantitative defects of dysferlin. Last evaluated: 2024-06-03. Review status: criteria provided, single submitter. Criteria: Invitae Variant Classification Sherloc (09022015). Collection method: clinical testing. Allele origin: germline. Not counted in ClinVar's aggregate classification.
Comment: This sequence change replaces proline, which is neutral and non-polar, with arginine, which is basic and polar, at codon 1698 of the DYSF protein (p.Pro1698Arg). This variant is present in population databases (rs776452710, gnomAD 0.003%). This missense change has been observed in individual(s) with limb-girdle muscular dystrophy (LGMD) (Invitae). It has also been observed to segregate with disease in related individuals. ClinVar contains an entry for this variant (Variation ID: 567124). Advanced modeling of protein sequence and biophysical properties (such as structural, functional, and spatial information, amino acid conservation, physicochemical variation, residue mobility, and thermodynamic stability) performed at Invitae indicates that this missense variant is expected to disrupt DYSF protein function with a positive predictive value of 95%. This variant disrupts the p.Pro1698 amino acid residue in DYSF. Other variant(s) that disrupt this residue have been observed in individuals with DYSF-related conditions (PMID: 33927379, 36580222; Invitae), which suggests that this may be a clinically significant amino acid residue. For these reasons, this variant has been classified as Pathogenic.

Revvity Omics, Revvity
Classification: Uncertain significance. Last evaluated: 2019-11-13. Review status: criteria provided, single submitter. Criteria: ACMG Guidelines, 2015. Collection method: clinical testing. Allele origin: germline. Not counted in ClinVar's aggregate classification.

Literature cited by the submitters: PubMed 33927379 (cited by Labcorp Genetics (formerly Invitae), Labcorp); PubMed 36580222 (cited by Labcorp Genetics (formerly Invitae), Labcorp).